The following is an entry in ClinVar:

NM_001035.3(RYR2):c.8473G>T (p.Ala2825Ser)

Gene: RYR2 (ryanodine receptor 2; plus strand). Cytogenetic location: 1q43.
Variant type: single nucleotide variant.
Coding change: c.8473G>T on transcript NM_001035.3 (MANE Select); coding-DNA position 8473, G replaced by T.
Protein change: p.Ala2825Ser; replaces alanine 2825 with serine.
Molecular consequence: missense variant.
Genome position (GRCh38, 1-based): chr1:237,666,548, G>T. VCF-style: chr1-237666548-G-T. GRCh37 (hg19) VCF-style: chr1-237829848-G-T.
Other names: c.8473G>T, p.Ala2825Ser (LRG_402t1); short protein forms A2825S.
Identifiers: ClinVar variation 463646 (VCV000463646.10), dbSNP rs1553274352, ClinGen allele CA345402112.

ClinVar aggregate classification (germline): Uncertain significance (1 of 4 stars; one submission).

Conditions:
Catecholaminergic polymorphic ventricular tachycardia 1. Also called: VENTRICULAR TACHYCARDIA, STRESS-INDUCED POLYMORPHIC 1; VENTRICULAR TACHYCARDIA, CATECHOLAMINERGIC POLYMORPHIC, 1, WITH OR WITHOUT ATRIAL DYSFUNCTION AND/OR DILATED CARDIOMYOPATHY; RYR2-Related Catecholaminergic Polymorphic Ventricular Tachycardia. Identifiers: Orphanet 3286, MedGen C1631597, MONDO:0011484, OMIM 604772.

Submission:

Labcorp Genetics (formerly Invitae), Labcorp
Classification: Uncertain significance for Catecholaminergic polymorphic ventricular tachycardia 1. Last evaluated: 2017-04-25. Review status: criteria provided, single submitter. Criteria: Invitae Variant Classification Sherloc (09022015). Collection method: clinical testing. Allele origin: germline.
Comment: This sequence change replaces alanine with serine at codon 2825 of the RYR2 protein (p.Ala2825Ser). The alanine residue is highly conserved and there is a moderate physicochemical difference between alanine and serine. This variant is not present in population databases (ExAC no frequency) and has not been reported in the literature in individuals with a RYR2-related disease. Algorithms developed to predict the effect of missense changes on protein structure and function do not agree on the potential impact of this missense change (SIFT: "Deleterious"; PolyPhen-2: "Benign"; Align-GVGD: "Class C65"). In summary, this variant is a novel missense change with uncertain impact on protein function. It has been classified as a Variant of Uncertain Significance.